The following is an entry in ClinVar:

ClinVar aggregate classification (germline): Uncertain significance (1 of 4 stars; one submission).

Submission:

Labcorp Genetics (formerly Invitae), Labcorp
Classification: Uncertain significance. Last evaluated: 2024-03-11. Review status: criteria provided, single submitter. Criteria: Invitae Variant Classification Sherloc (09022015). Collection method: clinical testing. Allele origin: germline.
Comment: This sequence change replaces glycine, which is neutral and non-polar, with serine, which is neutral and polar, at codon 316 of the TNNI3K protein (p.Gly316Ser). This variant is not present in population databases (gnomAD no frequency). This variant has not been reported in the literature in individuals affected with TNNI3K-related conditions. Advanced modeling of protein sequence and biophysical properties (such as structural, functional, and spatial information, amino acid conservation, physicochemical variation, residue mobility, and thermodynamic stability) performed at Invitae indicates that this missense variant is not expected to disrupt TNNI3K protein function with a negative predictive value of 80%. Algorithms developed to predict the effect of sequence changes on RNA splicing suggest that this variant may disrupt the consensus splice site. In summary, the available evidence is currently insufficient to determine the role of this variant in disease. Therefore, it has been classified as a Variant of Uncertain Significance.

NM_015978.3(TNNI3K):c.946G>A (p.Gly316Ser)

Genes: FPGT-TNNI3K (FPGT-TNNI3K readthrough; plus strand), TNNI3K (TNNI3 interacting kinase; plus strand). Cytogenetic location: 1p31.1.
Variant type: single nucleotide variant.
Coding change: c.946G>A on transcript NM_015978.3 (MANE Select); coding-DNA position 946, G replaced by A.
Protein change: p.Gly316Ser; replaces glycine 316 with serine.
Molecular consequence: missense variant.
Genome position (GRCh38, 1-based): chr1:74,353,279, G>A. VCF-style: chr1-74353279-G-A. GRCh37 (hg19) VCF-style: chr1-74818963-G-A.
Other names: c.1249G>A, p.Gly417Ser (NM_001112808.3, NM_001199327.2); short protein forms G316S, G417S.
Identifiers: ClinVar variation 3686306 (VCV003686306.2).